The following is an entry in ClinVar:

NM_001144967.3(NEDD4L):c.1234A>G (p.Thr412Ala)

Gene: NEDD4L (NEDD4 like E3 ubiquitin protein ligase; plus strand). Cytogenetic location: 18q21.31.
Variant type: single nucleotide variant.
Coding change: c.1234A>G on transcript NM_001144967.3 (MANE Select); coding-DNA position 1234, A replaced by G.
Protein change: p.Thr412Ala; replaces threonine 412 with alanine.
Molecular consequence: missense variant. On other transcripts: intron variant (1).
Genome position (GRCh38, 1-based): chr18:58,341,146, A>G. VCF-style: chr18-58341146-A-G. GRCh37 (hg19) VCF-style: chr18-56008378-A-G.
Other names: c.871A>G, p.Thr291Ala (NM_001144964.1, NM_001144965.2, NM_001144966.3); c.1210A>G, p.Thr404Ala (NM_001144968.2); c.1150A>G, p.Thr384Ala (NM_001144969.2); c.811A>G, p.Thr271Ala (NM_001144970.3, NM_001144971.2); c.1174A>G, p.Thr392Ala (NM_015277.6); c.1066-532A>G (NM_001243960.2); short protein forms T392A, T412A, T291A, T404A, T271A, T384A.
Identifiers: ClinVar variation 412007 (VCV000412007.10), dbSNP rs375632687, ClinGen allele CA8975621.

ClinVar aggregate classification (germline): Uncertain significance (1 of 4 stars; one submission).

Allele frequency attached by ClinVar (database versions not stated): gnomAD exomes below 0.00001 and 0.00001; ExAC 0.00001; gnomAD 0.00001; TOPMed 0.00001; ESP Exome Variant Server 0.00008.

Submission:

Labcorp Genetics (formerly Invitae), Labcorp
Classification: Uncertain significance. Last evaluated: 2016-10-15. Review status: criteria provided, single submitter. Criteria: Invitae Variant Classification Sherloc (09022015). Collection method: clinical testing. Allele origin: germline.
Comment: In summary, this variant is a rare missense change with uncertain impact on protein function. There is no indication that it causes disease, but the available evidence is currently insufficient to prove that conclusively. Therefore, it has been classified as a Variant of Uncertain Significance. Algorithms developed to predict the effect of sequence changes on RNA splicing suggest that this variant may alter RNA splicing, but this prediction has not been confirmed by published transcriptional studies. Algorithms developed to predict the effect of missense changes on protein structure and function do not agree on the potential impact of this missense change (SIFT: "Tolerated"; PolyPhen-2: "Possibly Damaging"; Align-GVGD: "Class C0"). This variant is present in population databases (rs375632687, ExAC 0.002%) but has not been reported in the literature in individuals with a NEDD4L-related disease. This sequence change replaces threonine with alanine at codon 392 of the NEDD4L protein (p.Thr392Ala). The threonine residue is highly conserved and there is a small physicochemical difference between threonine and alanine.